The following is an entry in ClinVar:

NM_022124.6(CDH23):c.2926A>G (p.Ser976Gly)

Gene: CDH23 (cadherin related 23; plus strand). Cytogenetic location: 10q22.1.
Variant type: single nucleotide variant.
Coding change: c.2926A>G on transcript NM_022124.6 (MANE Select); coding-DNA position 2926, A replaced by G.
Protein change: p.Ser976Gly; replaces serine 976 with glycine.
Molecular consequence: missense variant.
Genome position (GRCh38, 1-based): chr10:71,705,103, A>G. VCF-style: chr10-71705103-A-G. GRCh37 (hg19) VCF-style: chr10-73464860-A-G.
Other names: c.2926A>G, p.Ser976Gly (NM_001171930.2, NM_001171931.2); short protein forms S976G.
Identifiers: ClinVar variation 504554 (VCV000504554.19), dbSNP rs372401651, ClinGen allele CA5544376.
Genomic context (GRCh38, chr10:71,705,103, plus strand): 5'-GAGCGCATCGCGGAGTACCAGCTGCGGGTGGTGGCCAGTGATGCAGGCACGCCCACCAAG[A>G]GCTCCACCAGCACGCTCACCATCCATGGTGAGGGGGCGCAGGGGCTTCTGCTGTGTGCTC-3'
Protein context (NP_071407.4, residues 966-986): VASDAGTPTK[Ser976Gly]STSTLTIHVL

ClinVar aggregate classification (germline): Uncertain significance. Review status: criteria provided, multiple submitters, no conflicts (2 of 4 stars). 11 submissions from 10 submitters: Uncertain significance (7). 4 of the submissions do not count toward it. Last evaluated 2026-02-05.

Conditions:
Usher syndrome type 1 (USH1). Also called: RETINITIS PIGMENTOSA AND CONGENITAL DEAFNESS. Identifiers: Orphanet 231169, Orphanet 886, MedGen C1568247, MONDO:0010168, OMIM 276900.
Inborn genetic diseases. Identifiers: MedGen C0950123, MeSH D030342.
Retinal dystrophy. Also called: Inherited retinal dystrophy. Identifiers: Orphanet 71862, MedGen C0854723, MeSH D058499, MONDO:0019118, HP:0000556.
Usher syndrome type 1D (USH1D). Also called: USHER SYNDROME, TYPE ID. Identifiers: Orphanet 231169, Orphanet 886, MedGen C1832845, MONDO:0010984, OMIM 601067.
Autosomal recessive nonsyndromic hearing loss 12. Also called: DEAFNESS, AUTOSOMAL RECESSIVE 12. Identifiers: Orphanet 90636, MedGen C1832394, MONDO:0011067, OMIM 601386.

Allele frequency attached by ClinVar (database versions not stated): ESP Exome Variant Server 0.00008; TOPMed 0.00014; gnomAD 0.00016 and 0.00017; gnomAD exomes 0.00017 and 0.00022; ExAC 0.00025.
gnomAD v4.1: 267 of 1,611,008 alleles (0.017%); highest among the groups gnomAD compares: Middle Eastern, 0.14%; 2 homozygotes.

Submissions (11):

GeneDx
Classification: Uncertain significance. Last evaluated: 2026-02-05. Review status: criteria provided, single submitter. Criteria: GeneDx Variant Classification Process June 2021. Collection method: clinical testing. Allele origin: germline. Affected: yes.
Comment: Reported in a patient with inherited retinal disease in published literature; of note, this patient harbored variants in other genes that may contribute to the phenotype (PMID: 38927702); In silico analysis supports that this missense variant has a deleterious effect on protein structure/function; This variant is associated with the following publications: (PMID: 38927702)

Labcorp Genetics (formerly Invitae), Labcorp
Classification: Uncertain significance. Last evaluated: 2024-12-24. Review status: criteria provided, single submitter. Criteria: Invitae Variant Classification Sherloc (09022015). Collection method: clinical testing. Allele origin: germline.
Comment: This sequence change replaces serine, which is neutral and polar, with glycine, which is neutral and non-polar, at codon 976 of the CDH23 protein (p.Ser976Gly). This variant is present in population databases (rs372401651, gnomAD 0.03%). This missense change has been observed in individual(s) with inherited retinal disorders (PMID: 38927702). ClinVar contains an entry for this variant (Variation ID: 504554). Invitae Evidence Modeling of protein sequence and biophysical properties (such as structural, functional, and spatial information, amino acid conservation, physicochemical variation, residue mobility, and thermodynamic stability) has been performed for this missense variant. However, the output from this modeling did not meet the statistical confidence thresholds required to predict the impact of this variant on CDH23 protein function. In summary, the available evidence is currently insufficient to determine the role of this variant in disease. Therefore, it has been classified as a Variant of Uncertain Significance.

Ambry Genetics
Classification: Uncertain significance for Inborn genetic diseases. Last evaluated: 2021-08-17. Review status: criteria provided, single submitter. Criteria: Ambry Variant Classification Scheme 2023. Collection method: clinical testing. Allele origin: germline.

Genome-Nilou Lab
Classification: Uncertain significance for Autosomal recessive nonsyndromic hearing loss 12. Last evaluated: 2021-07-14. Review status: criteria provided, single submitter. Criteria: ACMG Guidelines, 2015. Collection method: clinical testing. Allele origin: germline. Affected: no.

Genome-Nilou Lab
Classification: Uncertain significance for Usher syndrome type 1D. Last evaluated: 2021-07-14. Review status: criteria provided, single submitter. Criteria: ACMG Guidelines, 2015. Collection method: clinical testing. Allele origin: germline. Affected: no.

Laboratory for Molecular Medicine, Mass General Brigham Personalized Medicine
Classification: Uncertain significance. Last evaluated: 2016-12-08. Review status: criteria provided, single submitter. Criteria: LMM Criteria. Collection method: clinical testing. Allele origin: germline. Observed: 1 variant allele.
Comment: The p.Ser976Gly variant in CDH23 has not been previously reported in individuals with hearing loss or Usher syndrome, but has been identified in 21/62086 Europe an chromosomes by the Exome Aggregation Consortium (ExAC; dbSNP rs372401651). Although this variant has been seen in the general population, its frequency is not high enough to rule out a pathogenic role. Com putational prediction tools and conservation analyses do not provide strong supp ort for or against an impact to the protein. In summary, the clinical significan ce of the p.Ser976Gly variant is uncertain.

Breakthrough Genomics
Classification: Uncertain significance. Review status: criteria provided, single submitter. Criteria: ACMG Guidelines, 2015. Collection method: not provided. Allele origin: germline. Inheritance: Autosomal recessive inheritance. Affected: yes.

Institute of Human Genetics, Univ. Regensburg, Univ. Regensburg
Classification: Uncertain significance for Retinal dystrophy. Last evaluated: 2023-01-01. Review status: no assertion criteria provided. Criteria: ACMG Guidelines, 2015. Collection method: clinical testing. Allele origin: germline. Affected: yes. Not counted in ClinVar's aggregate classification.

Natera, Inc.
Classification: Uncertain significance for Usher syndrome type 1. Last evaluated: 2019-10-28. Review status: no assertion criteria provided. Collection method: clinical testing. Allele origin: germline. Not counted in ClinVar's aggregate classification.

Clinical Genetics DNA and cytogenetics Diagnostics Lab, Erasmus MC, Erasmus Medical Center
Classification: Uncertain significance. Review status: no assertion criteria provided. Collection method: clinical testing. Allele origin: germline. Affected: yes. Study: VKGL Data-share Consensus. Not counted in ClinVar's aggregate classification.

Diagnostic Laboratory, Department of Genetics, University Medical Center Groningen
Classification: Uncertain significance. Review status: no assertion criteria provided. Collection method: clinical testing. Allele origin: germline. Affected: yes. Study: VKGL Data-share Consensus. Not counted in ClinVar's aggregate classification.

Literature cited by the submitters: PubMed 38927702 (cited by Labcorp Genetics (formerly Invitae), Labcorp).